The following is an entry in ClinVar:

ClinVar aggregate classification (germline): Uncertain significance (0 of 4 stars; one submission).

Conditions:
COL12A1-related disorder. Also called: COL12A1-related condition.

Submission:

PreventionGenetics, part of Exact Sciences
Classification: Uncertain significance for COL12A1-related condition. Last evaluated: 2023-10-29. Review status: no assertion criteria provided. Collection method: clinical testing. Allele origin: germline.
Comment: The COL12A1 c.1226G>C variant is predicted to result in the amino acid substitution p.Gly409Ala. To our knowledge, this variant has not been reported in the literature. This variant is reported in 0.0033% of alleles in individuals of South Asian descent in gnomAD. At this time, the clinical significance of this variant is uncertain due to the absence of conclusive functional and genetic evidence.

NM_004370.6(COL12A1):c.1226G>C (p.Gly409Ala)

Gene: COL12A1 (collagen type XII alpha 1 chain; minus strand). Cytogenetic location: 6q13.
Variant type: single nucleotide variant.
Coding change: c.1226G>C on transcript NM_004370.6 (MANE Select); coding-DNA position 1226, G replaced by C.
Protein change: p.Gly409Ala; replaces glycine 409 with alanine.
Molecular consequence: missense variant. On other transcripts: intron variant (2).
Genome position (GRCh38, 1-based): chr6:75,183,916, C>G on the plus strand (G>C on the coding strand, the complement: COL12A1 is on the minus strand). VCF-style: chr6-75183916-C-G. GRCh37 (hg19) VCF-style: chr6-75893632-C-G.
Other names: c.1226G>C, p.Gly409Ala (NM_001424113.1, NM_001424114.1, NM_001424115.1); c.73+18804G>C (NM_001424116.1, NM_080645.3); short protein forms G409A.
Identifiers: ClinVar variation 3031119 (VCV003031119.2), dbSNP rs775157077, ClinGen allele CA364772665.
Genomic context (GRCh38, chr6:75,183,916, plus strand): 5'-ACTTGAACTTTCATTGGCTGAGTCTTCTCCATTATTGAAATGGGTTCACTGGATGTCATT[C>G]CCTTCATGGCGGAAACACTGATCTGGTATTCTGTGTCTGCTGAGAGGTCGCGAACACTGA-3'
Protein context (NP_004361.3, residues 399-419): EYQISVSAMK[Gly409Ala]MTSSEPISIM